The following is an entry in ClinVar:

NM_006231.4(POLE):c.2888G>T (p.Gly963Val)

Gene: POLE (DNA polymerase epsilon, catalytic subunit; minus strand). Cytogenetic location: 12q24.33.
Variant type: single nucleotide variant.
Coding change: c.2888G>T on transcript NM_006231.4 (MANE Select); coding-DNA position 2888, G replaced by T.
Protein change: p.Gly963Val; replaces glycine 963 with valine.
Molecular consequence: missense variant.
Genome position (GRCh38, 1-based): chr12:132,661,141, C>A on the plus strand (G>T on the coding strand, the complement: POLE is on the minus strand). VCF-style: chr12-132661141-C-A. GRCh37 (hg19) VCF-style: chr12-133237727-C-A.
Other names: short protein forms G963V.
Identifiers: ClinVar variation 1469765 (VCV001469765.8), dbSNP rs777454763, ClinGen allele CA387392843.

ClinVar aggregate classification (germline): Uncertain significance (1 of 4 stars; one submission).

Submission:

Labcorp Genetics (formerly Invitae), Labcorp
Classification: Uncertain significance. Last evaluated: 2022-05-25. Review status: criteria provided, single submitter. Criteria: Invitae Variant Classification Sherloc (09022015). Collection method: clinical testing. Allele origin: germline.
Comment: In summary, the available evidence is currently insufficient to determine the role of this variant in disease. Therefore, it has been classified as a Variant of Uncertain Significance. Algorithms developed to predict the effect of missense changes on protein structure and function (SIFT, PolyPhen-2, Align-GVGD) all suggest that this variant is likely to be disruptive. This variant has not been reported in the literature in individuals affected with POLE-related conditions. This variant is not present in population databases (gnomAD no frequency). This sequence change replaces glycine, which is neutral and non-polar, with valine, which is neutral and non-polar, at codon 963 of the POLE protein (p.Gly963Val).